The following is an entry in ClinVar:

NM_001371904.1(APOA5):c.595G>A (p.Val199Met)

Gene: APOA5 (apolipoprotein A5; minus strand). Cytogenetic location: 11q23.3.
Variant type: single nucleotide variant.
Coding change: c.595G>A on transcript NM_001371904.1 (MANE Select); coding-DNA position 595, G replaced by A.
Protein change: p.Val199Met; replaces valine 199 with methionine.
Molecular consequence: missense variant.
Genome position (GRCh38, 1-based): chr11:116,790,634, C>T on the plus strand (G>A on the coding strand, the complement: APOA5 is on the minus strand). VCF-style: chr11-116790634-C-T. GRCh37 (hg19) VCF-style: chr11-116661350-C-T.
Other names: c.595G>A, p.Val199Met (NM_001166598.2, NM_052968.5); short protein forms V199M.
Identifiers: ClinVar variation 1750730 (VCV001750730.2), dbSNP rs1940988920, ClinGen allele CA382737913.

ClinVar aggregate classification (germline): Uncertain significance (1 of 4 stars; one submission).

Conditions:
Cardiovascular phenotype. Identifiers: MedGen CN230736.

Allele frequency attached by ClinVar (database versions not stated): TOPMed below 0.00001.

Submission:

Ambry Genetics
Classification: Uncertain significance for Cardiovascular phenotype. Last evaluated: 2024-03-14. Review status: criteria provided, single submitter. Criteria: Ambry Variant Classification Scheme 2023. Collection method: clinical testing. Allele origin: germline.
Comment: The p.V199M variant (also known as c.595G>A), located in coding exon 3 of the APOA5 gene, results from a G to A substitution at nucleotide position 595. The valine at codon 199 is replaced by methionine, an amino acid with highly similar properties. This amino acid position is conserved. In addition, this alteration is predicted to be tolerated by in silico analysis. Since supporting evidence is limited at this time, the clinical significance of this alteration remains unclear.